The following is an entry in ClinVar:

ClinVar aggregate classification (germline): Uncertain significance (1 of 4 stars; one submission).

Conditions:
Facioscapulohumeral muscular dystrophy 2 (FSHD2). Also called: MUSCULAR DYSTROPHY, FACIOSCAPULOHUMERAL, TYPE 1B; FACIOSCAPULOHUMERAL MUSCULAR DYSTROPHY 2, DIGENIC; FSHD2, DIGENIC. Identifiers: Orphanet 269, MedGen C1834671, MONDO:0008031, OMIM 158901.

Allele frequency attached by ClinVar (database versions not stated): ExAC 0.00001.
gnomAD v4.1: 21 of 1,581,612 alleles (0.0013%); highest among the groups gnomAD compares: Non-Finnish European, 0.0018%; no homozygotes.

Submission:

Labcorp Genetics (formerly Invitae), Labcorp
Classification: Uncertain significance for Facioscapulohumeral muscular dystrophy 2. Last evaluated: 2025-10-15. Review status: criteria provided, single submitter. Criteria: Invitae Variant Classification Sherloc (09022015). Collection method: clinical testing. Allele origin: germline.
Comment: This sequence change replaces valine, which is neutral and non-polar, with isoleucine, which is neutral and non-polar, at codon 1617 of the SMCHD1 protein (p.Val1617Ile). This variant is present in population databases (rs774306466, gnomAD 0.003%). This variant has not been reported in the literature in individuals affected with SMCHD1-related conditions. ClinVar contains an entry for this variant (Variation ID: 2885296). An algorithm developed to predict the effect of missense changes on protein structure and function (PolyPhen-2) suggests that this variant is likely to be tolerated. In summary, the available evidence is currently insufficient to determine the role of this variant in disease. Therefore, it has been classified as a Variant of Uncertain Significance.

NM_015295.3(SMCHD1):c.4849G>A (p.Val1617Ile)

Gene: SMCHD1 (structural maintenance of chromosomes flexible hinge domain containing 1; plus strand). Cytogenetic location: 18p11.32.
Variant type: single nucleotide variant.
Coding change: c.4849G>A on transcript NM_015295.3 (MANE Select); coding-DNA position 4849, G replaced by A.
Protein change: p.Val1617Ile; replaces valine 1617 with isoleucine.
Molecular consequence: missense variant.
Genome position (GRCh38, 1-based): chr18:2,769,991, G>A. VCF-style: chr18-2769991-G-A. GRCh37 (hg19) VCF-style: chr18-2769989-G-A.
Other names: short protein forms V1617I.
Identifiers: ClinVar variation 2885296 (VCV002885296.3), dbSNP rs774306466, ClinGen allele CA8871598.
Genomic context (GRCh38, chr18:2,769,991, plus strand): 5'-CATATTTTAGAAAAGTCAGTTTTTAAATTATTTAAATTATCTCAATTTTTTTTCTTAGAT[G>A]TTAAGAAGCAGCAACAAATGGCAGCACTTACAAAAGAAAAGGACCAATTATCTCAGTCTA-3'
Protein context (NP_056110.2, residues 1607-1627): YILPFMFYND[Val1617Ile]KKQQQMAALT